The following is an entry in ClinVar:

ClinVar aggregate classification (germline): Likely benign (1 of 4 stars; one submission).

Conditions:
VPS33B-related disorder. Also called: VPS33B-related condition.

Submission:

PreventionGenetics, part of Exact Sciences
Classification: Likely benign for VPS33B-related condition. Last evaluated: 2025-04-25. Review status: criteria provided, single submitter. Criteria: ACMG Guidelines, 2015. Collection method: clinical testing. Allele origin: germline.
Comment: This variant is classified as likely benign based on ACMG/AMP sequence variant interpretation guidelines (Richards et al. 2015 PMID: 25741868, with internal and published modifications).

NM_018668.5(VPS33B):c.1308T>C (p.Asn436=)

Gene: VPS33B (VPS33B late endosome and lysosome associated; minus strand). Cytogenetic location: 15q26.1.
Variant type: single nucleotide variant.
Coding change: c.1308T>C on transcript NM_018668.5 (MANE Select); coding-DNA position 1308, T replaced by C.
Protein change: p.Asn436=; no amino-acid change (asparagine 436 retained).
Molecular consequence: synonymous variant.
Genome position (GRCh38, 1-based): chr15:91,002,147, A>G on the plus strand (T>C on the coding strand, the complement: VPS33B is on the minus strand). VCF-style: chr15-91002147-A-G. GRCh37 (hg19) VCF-style: chr15-91545377-A-G.
Other names: c.1227T>C, p.Asn409= (NM_001289148.1); c.1035T>C, p.Asn345= (NM_001289149.1).
Identifiers: ClinVar variation 4984115 (VCV004984115.1).